The following is an entry in ClinVar:

NM_172107.4(KCNQ2):c.514+4A>T

Gene: KCNQ2 (potassium voltage-gated channel subfamily Q member 2; minus strand). Cytogenetic location: 20q13.33.
Variant type: single nucleotide variant.
Coding change: c.514+4A>T on transcript NM_172107.4 (MANE Select); 4 bases into the intron after coding-DNA position 514, A replaced by T.
Molecular consequence: intron variant.
Genome position (GRCh38, 1-based): chr20:63,445,234, T>A on the plus strand (A>T on the coding strand, the complement: KCNQ2 is on the minus strand). VCF-style: chr20-63445234-T-A. GRCh37 (hg19) VCF-style: chr20-62076587-T-A.
Other names: c.514+4A>T (NM_004518.6, NM_172108.5, NM_172106.3 and 2 more transcripts).
Identifiers: ClinVar variation 461421 (VCV000461421.10), dbSNP rs1555873930, ClinGen allele CA658658880.

ClinVar aggregate classification (germline): Uncertain significance. Review status: criteria provided, single submitter (1 of 4 stars). 2 submissions from 2 submitters: Uncertain significance (1). 1 of the submissions does not count toward it. Last evaluated 2024-05-22.

Conditions:
Early-infantile DEE. Also called: Early infantile epileptic encephalopathy with suppression bursts; Early infantile epileptic encephalopathy; Ohtahara syndrome. Identifiers: Orphanet 1934, MedGen C0393706, MONDO:0800491.
KCNQ2-Related Disorders. Also called: KCNQ2-related disorder; KCNQ2-related condition. Identifiers: MedGen CN169299.

Submissions (2):

Labcorp Genetics (formerly Invitae), Labcorp
Classification: Uncertain significance for Early-infantile DEE. Last evaluated: 2024-05-22. Review status: criteria provided, single submitter. Criteria: Invitae Variant Classification Sherloc (09022015). Collection method: clinical testing. Allele origin: germline.
Comment: This sequence change falls in intron 3 of the KCNQ2 gene. It does not directly change the encoded amino acid sequence of the KCNQ2 protein. It affects a nucleotide within the consensus splice site. This variant is not present in population databases (gnomAD no frequency). This variant has not been reported in the literature in individuals affected with KCNQ2-related conditions. ClinVar contains an entry for this variant (Variation ID: 461421). Variants that disrupt the consensus splice site are a relatively common cause of aberrant splicing (PMID: 17576681, 9536098). Algorithms developed to predict the effect of sequence changes on RNA splicing suggest that this variant may disrupt the consensus splice site. In summary, the available evidence is currently insufficient to determine the role of this variant in disease. Therefore, it has been classified as a Variant of Uncertain Significance.

PreventionGenetics, part of Exact Sciences
Classification: Uncertain significance for KCNQ2-related condition. Last evaluated: 2024-04-29. Review status: no assertion criteria provided. Collection method: clinical testing. Allele origin: germline. Not counted in ClinVar's aggregate classification.
Comment: The KCNQ2 c.514+4A>T variant is predicted to interfere with splicing. This variant is predicted to alter splicing based on splicing prediction programs (Alamut, version 1.6.1; SpliceAI, Jaganathan et al. 2019. PubMed ID: 30661751). To our knowledge, this variant has not been reported in the literature or in a large population database, indicating this variant is rare. At this time, the clinical significance of this variant is uncertain due to the absence of conclusive functional and genetic evidence.

Literature cited by the submitters: PubMed 17576681 (cited by Labcorp Genetics (formerly Invitae), Labcorp); PubMed 9536098 (cited by Labcorp Genetics (formerly Invitae), Labcorp).